The following is an entry in ClinVar:

ClinVar aggregate classification (germline): Conflicting classifications of pathogenicity. Review status: criteria provided, conflicting classifications (1 of 4 stars). 3 submissions from 3 submitters: Pathogenic (1); Uncertain significance (2). Last evaluated 2024-08-15.

Conditions:
Bardet-Biedl syndrome (BBS). Identifiers: Orphanet 110, MedGen C0752166, MONDO:0015229.

Allele frequency attached by ClinVar (database versions not stated): TOPMed below 0.00001; gnomAD 0.00001.
gnomAD v4.1: 9 of 1,612,822 alleles (0.00056%); highest among the groups gnomAD compares: Non-Finnish European, 0.00068%; no homozygotes.

Submissions (3):

Women's Health and Genetics/Laboratory Corporation of America, LabCorp
Classification: Uncertain significance. Last evaluated: 2024-08-15. Review status: criteria provided, single submitter. Criteria: LabCorp Variant Classification Summary - May 2015. Collection method: clinical testing. Allele origin: germline.
Comment: Variant summary: ARL6 c.291T>A (p.Ser97Arg) results in a non-conservative amino acid change located in the Small GTP-binding protein domain (IPR005225) of the encoded protein sequence. Five of five in-silico tools predict a damaging effect of the variant on protein function. The variant was absent in 251200 control chromosomes. c.291T>A has been reported in the literature in compound heterozygous individuals affected with Bardet-Biedl Syndrome (Weisschuh_2020). These data indicate that the variant may be associated with disease. To our knowledge, no experimental evidence demonstrating an impact on protein function has been reported. The following publications have been ascertained in the context of this evaluation (PMID: 32531858, 35886001). ClinVar contains an entry for this variant (Variation ID: 813155). Based on the evidence outlined above, the variant was classified as VUS-possibly pathogenic.

Blueprint Genetics
Classification: Uncertain significance. Last evaluated: 2022-10-13. Review status: criteria provided, single submitter. Criteria: ACMG Guidelines, 2015. Collection method: clinical testing. Allele origin: germline.

Molecular Genetics Laboratory, Institute for Ophthalmic Research
Classification: Pathogenic for Bardet-Biedl syndrome. Last evaluated: 2020-01-09. Review status: criteria provided, single submitter. Criteria: ACMG Guidelines, 2015. Collection method: research. Allele origin: germline. Affected: yes.

Literature cited by the submitters: PubMed 32531858 (cited by Women's Health and Genetics/Laboratory Corporation of America, LabCorp); PubMed 35886001 (cited by Women's Health and Genetics/Laboratory Corporation of America, LabCorp).

NM_001278293.3(ARL6):c.291T>A (p.Ser97Arg)

Gene: ARL6 (ARF like GTPase 6; plus strand). Cytogenetic location: 3q11.2.
Variant type: single nucleotide variant.
Coding change: c.291T>A on transcript NM_001278293.3 (MANE Select); coding-DNA position 291, T replaced by A.
Protein change: p.Ser97Arg; replaces serine 97 with arginine.
Molecular consequence: missense variant. On other transcripts: non-coding transcript variant (7).
Genome position (GRCh38, 1-based): chr3:97,784,991, T>A. VCF-style: chr3-97784991-T-A. GRCh37 (hg19) VCF-style: chr3-97503835-T-A.
Other names: c.291T>A, p.Ser97Arg (NM_177976.3, NM_001323513.2, NM_001323514.2 and 1 more transcripts); short protein forms S97R.
Identifiers: ClinVar variation 813155 (VCV000813155.4), dbSNP rs2037381055, ClinGen allele CA353587245.